The following is an entry in ClinVar:

ClinVar aggregate classification (germline): Uncertain significance (1 of 4 stars; one submission).

Conditions:
Developmental and epileptic encephalopathy, 30 (DEE30). Also called: Epileptic encephalopathy, early infantile, 30. Identifiers: MedGen C4225360, MONDO:0014595, OMIM 616341.

Submission:

Neuberg Centre For Genomic Medicine, NCGM
Classification: Uncertain significance for Developmental and epileptic encephalopathy, 30. Last evaluated: 2023-06-22. Review status: criteria provided, single submitter. Criteria: ACMG Guidelines, 2015. Collection method: clinical testing. Allele origin: germline. Inheritance: Autosomal dominant inheritance. Affected: yes.
Comment: The missense variant c.2336T>A (p.Phe779Tyr) in the SIK1 gene has not been reported previously as a pathogenic variant nor as a benign variant, to our knowledge. This variant is absent in the gnomAD Exomes. The amino acid Phe at position 779 is changed to a Tyr changing protein sequence and it might alter its composition and physico-chemical properties. Computational evidence (Polyphen, SIFT and MutationTaster) predicts conflicting evidence on protein structure and function for this variant. The amino acid change p.Phe779Tyr in SIK1 is predicted as conserved by GERP++ and PhyloP across 100 vertebrates. For these reasons, this variant has been classified as Uncertain Significance.

NM_173354.5(SIK1):c.2336T>A (p.Phe779Tyr)

Gene: SIK1 (salt inducible kinase 1; minus strand). Cytogenetic location: 21q22.3.
Variant type: single nucleotide variant.
Coding change: c.2336T>A on transcript NM_173354.5 (MANE Select); coding-DNA position 2336, T replaced by A.
Protein change: p.Phe779Tyr; replaces phenylalanine 779 with tyrosine.
Molecular consequence: missense variant.
Genome position (GRCh38, 1-based): chr21:43,416,758, A>T on the plus strand (T>A on the coding strand, the complement: SIK1 is on the minus strand). VCF-style: chr21-43416758-A-T. GRCh37 (hg19) VCF-style: chr21-44836638-A-T.
Other names: short protein forms F779Y.
Identifiers: ClinVar variation 3377532 (VCV003377532.1).